The following is an entry in ClinVar:

ClinVar aggregate classification (germline): Uncertain significance (1 of 4 stars; one submission).

Submission:

GeneDx
Classification: Uncertain significance. Last evaluated: 2025-05-27. Review status: criteria provided, single submitter. Criteria: GeneDx Variant Classification Process June 2021. Collection method: clinical testing. Allele origin: germline. Affected: yes.
Comment: Not observed at significant frequency in large population cohorts (gnomAD); In silico analysis supports that this missense variant has a deleterious effect on protein structure/function; Has not been previously published as pathogenic or benign to our knowledge

NM_004447.6(EPS8):c.836A>G (p.Asp279Gly)

Gene: EPS8 (EGFR pathway substrate 8, signaling adaptor; minus strand). Cytogenetic location: 12p12.3.
Variant type: single nucleotide variant.
Coding change: c.836A>G on transcript NM_004447.6 (MANE Select); coding-DNA position 836, A replaced by G.
Protein change: p.Asp279Gly; replaces aspartic acid 279 with glycine.
Molecular consequence: missense variant. On other transcripts: non-coding transcript variant (3).
Genome position (GRCh38, 1-based): chr12:15,660,715, T>C on the plus strand (A>G on the coding strand, the complement: EPS8 is on the minus strand). VCF-style: chr12-15660715-T-C. GRCh37 (hg19) VCF-style: chr12-15813649-T-C.
Other names: c.836A>G, p.Asp279Gly (NM_001413831.1, NM_001413832.1, NM_001413833.1 and 2 more transcripts); c.596A>G, p.Asp199Gly (NM_001413835.1, NM_001413836.1); c.419A>G, p.Asp140Gly (NM_001413837.1); c.56A>G, p.Asp19Gly (NM_001413838.1); short protein forms D140G, D199G, D19G, D279G.
Identifiers: ClinVar variation 4532405 (VCV004532405.1).